The following is an entry in ClinVar:

NM_001379451.1(BCORL1):c.2245G>A (p.Glu749Lys)

Gene: BCORL1 (BCL6 corepressor like 1; plus strand). Cytogenetic location: Xq26.1.
Variant type: single nucleotide variant.
Coding change: c.2245G>A on transcript NM_001379451.1 (MANE Select); coding-DNA position 2245, G replaced by A.
Protein change: p.Glu749Lys; replaces glutamic acid 749 with lysine.
Molecular consequence: missense variant.
Genome position (GRCh38, 1-based): chrX:130,015,017, G>A. VCF-style: chrX-130015017-G-A. GRCh37 (hg19) VCF-style: chrX-129148993-G-A.
Other names: c.2245G>A, p.Glu749Lys (NM_001184772.3, NM_001379450.1, NM_021946.5); short protein forms E749K.
Identifiers: ClinVar variation 386690 (VCV000386690.2), dbSNP rs1057522573, ClinGen allele CA16609124.
Genomic context (GRCh38, chrX:130,015,017, plus strand): 5'-CTGCTGAACAAAGACCCCAACCTGGGCCTCAACCGTGACCCCCGCCATCTCCCCAAGCAG[G>A]AGCCCATCTCCATCATTGATCAAGGAGAGCCTAAGGGCACTGGTGCCACGTGTGGCAAAA-3'
Protein context (NP_001366380.1, residues 739-759): NRDPRHLPKQ[Glu749Lys]PISIIDQGEP

ClinVar aggregate classification (germline): Uncertain significance (1 of 4 stars; one submission).

Allele frequency attached by ClinVar (database versions not stated): gnomAD exomes 0.00001.

Submission:

GeneDx
Classification: Uncertain significance. Last evaluated: 2016-05-25. Review status: criteria provided, single submitter. Criteria: GeneDx Variant Classification (06012015). Collection method: clinical testing. Allele origin: germline. Affected: yes.
Comment: The E749K variant in the BCORL1 gene has not been reported previously as a pathogenic variant, nor as a benign variant, to our knowledge. This variant was not observed in approximately 6500 individuals of European and African American ancestry in the NHLBI Exome Sequencing Project, indicating it is not a common benign variant in these populations. The E749K variant is a non-conservative amino acid substitution, which is likely to impact secondary protein structure as these residues differ in polarity, charge, size and/or other properties. This substitution occurs at a position where amino acids with similar properties to Glutamic Acid are tolerated across species. In silico analysis is inconsistent in its predictions as to whether or not the variant is damaging to the protein structure/function. We interpret E749K as a variant of uncertain significance.